The following is an entry in ClinVar:

NM_002474.3(MYH11):c.1776G>A (p.Leu592=)

Gene: MYH11 (myosin heavy chain 11; minus strand). Cytogenetic location: 16p13.11.
Variant type: single nucleotide variant.
Coding change: c.1776G>A on transcript NM_002474.3 (MANE Select); coding-DNA position 1776, G replaced by A.
Protein change: p.Leu592=; no amino-acid change (leucine 592 retained).
Molecular consequence: synonymous variant.
Genome position (GRCh38, 1-based): chr16:15,753,482, C>T on the plus strand (G>A on the coding strand, the complement: MYH11 is on the minus strand). VCF-style: chr16-15753482-C-T. GRCh37 (hg19) VCF-style: chr16-15847339-C-T.
Other names: c.1797G>A, p.Leu599= (NM_001040113.2, NM_001040114.2); c.1776G>A, p.Leu592= (NM_022844.3).
Identifiers: ClinVar variation 628508 (VCV000628508.23), dbSNP rs1239338323, ClinGen allele CA493793239.

ClinVar aggregate classification (germline): Likely benign. Review status: criteria provided, multiple submitters, no conflicts (2 of 4 stars). 4 submissions from 4 submitters: Likely benign (4). Last evaluated 2024-08-22.

Conditions:
Aortic aneurysm, familial thoracic 4 (AAT4). Also called: AORTIC ANEURYSM/AORTIC DISSECTION AND PATENT DUCTUS ARTERIOSUS. Identifiers: MedGen C1851504, MONDO:0007568, OMIM 132900.
Familial thoracic aortic aneurysm and aortic dissection (TAAD). Also called: Thoracic aortic aneurysms and dissections. Identifiers: Orphanet 91387, MedGen C4707243, MONDO:0019625.

Allele frequency attached by ClinVar (database versions not stated): gnomAD exomes below 0.00001; gnomAD 0.00001; TOPMed 0.00001.
gnomAD v4.1: 9 of 1,614,070 alleles (0.00056%); highest among the groups gnomAD compares: Non-Finnish European, 0.00076%; no homozygotes.

Submissions (4):

Labcorp Genetics (formerly Invitae), Labcorp
Classification: Likely benign for Aortic aneurysm, familial thoracic 4. Last evaluated: 2024-08-22. Review status: criteria provided, single submitter. Criteria: Invitae Variant Classification Sherloc (09022015). Collection method: clinical testing. Allele origin: germline.

All of Us Research Program, National Institutes of Health
Classification: Likely benign for Familial thoracic aortic aneurysm and aortic dissection. Last evaluated: 2023-11-02. Review status: criteria provided, single submitter. Criteria: ACMG Guidelines, 2015. Collection method: clinical testing. Allele origin: germline. Inheritance: Autosomal dominant inheritance. Observed: 1 variant allele, 1 heterozygote.
Comment: This study involves interpretation of variants in research participants for the purpose of population health screening. Participant phenotype was not available at the time of variant classification. Additional details can be found in publication PMID: 35346344, PMCID: PMC8962531

Ambry Genetics
Classification: Likely benign for Familial thoracic aortic aneurysm and aortic dissection. Last evaluated: 2020-03-24. Review status: criteria provided, single submitter. Criteria: Ambry Variant Classification Scheme 2023. Collection method: clinical testing. Allele origin: germline.

Color Diagnostics, LLC DBA Color Health
Classification: Likely benign for Familial thoracic aortic aneurysm and aortic dissection. Last evaluated: 2018-05-29. Review status: criteria provided, single submitter. Criteria: ACMG Guidelines, 2015. Collection method: clinical testing. Allele origin: germline.